The following is an entry in ClinVar:

ClinVar aggregate classification (germline): Uncertain significance. Review status: criteria provided, multiple submitters, no conflicts (2 of 4 stars). 3 submissions from 3 submitters: Uncertain significance (3). Last evaluated 2024-02-20.

Conditions:
Neuropathy, congenital hypomyelinating, 2. Identifiers: MedGen C4722277, MONDO:0020765, OMIM 618184.
Charcot-Marie-Tooth disease dominant intermediate D. Also called: CHARCOT-MARIE-TOOTH NEUROPATHY, DOMINANT INTERMEDIATE D; Charcot-Marie-Tooth disease dominant intermediate 3; CMT DI3. Identifiers: Orphanet 100046, MedGen C1843075, MONDO:0011909, OMIM 607791.

Submissions (3):

3billion
Classification: Uncertain significance for Neuropathy, congenital hypomyelinating, 2. Last evaluated: 2024-02-20. Review status: criteria provided, single submitter. Criteria: ACMG Guidelines, 2015. Collection method: clinical testing. Allele origin: germline. Affected: yes.
Comment: The variant is not observed in the gnomAD v2.1.1 dataset. Predicted Consequence/Location: Missense variant A different missense change at the same codon (p.Gly72Leu) has been reported to be associated with MPZ related disorder (PMID: 34060176). However the evidence of pathogenicity is insufficient at this time. Therefore, this variant is classified as VUS according to the recommendation of ACMG/AMP guideline.

Blueprint Genetics
Classification: Uncertain significance. Last evaluated: 2023-11-08. Review status: criteria provided, single submitter. Criteria: ACMG Guidelines, 2015. Collection method: clinical testing. Allele origin: germline.

MVZ Martinsried, Medicover Genetics
Classification: Uncertain significance for Charcot-Marie-Tooth disease dominant intermediate D. Last evaluated: 2023-10-04. Review status: criteria provided, single submitter. Criteria: ACGS Guidelines, 2020. Collection method: clinical testing. Allele origin: unknown. Affected: yes.

Literature cited by the submitters: PubMed 34060176 (cited by 3billion).

NM_000530.8(MPZ):c.215G>A (p.Gly72Glu)

Gene: MPZ (myelin protein zero; minus strand). Cytogenetic location: 1q23.3.
Variant type: single nucleotide variant.
Coding change: c.215G>A on transcript NM_000530.8 (MANE Select); coding-DNA position 215, G replaced by A.
Protein change: p.Gly72Glu; replaces glycine 72 with glutamic acid.
Molecular consequence: missense variant.
Genome position (GRCh38, 1-based): chr1:161,307,277, C>T on the plus strand (G>A on the coding strand, the complement: MPZ is on the minus strand). VCF-style: chr1-161307277-C-T. GRCh37 (hg19) VCF-style: chr1-161277067-C-T.
Other names: c.215G>A, p.Gly72Glu (NM_001315491.2); short protein forms G72E.
Identifiers: ClinVar variation 2683933 (VCV002683933.3), dbSNP rs773724920, ClinGen allele CA343350365.
Genomic context (GRCh38, chr1:161,307,277, plus strand): 5'-ACTTTCTGTTATCCAACCCCAGGATTCCCCCAGGCACTCACCGAAATGGCATCTCTGCCC[C>T]CTTCGGGCTGGTAGCGCCAGGTGAAGGAGATGTCATCTGAGACCCACTCACTGGACCAGA-3'
Protein context (NP_000521.2, residues 62-82): ISFTWRYQPE[Gly72Glu]GRDAISIFHY